The following is an entry in ClinVar:

ClinVar aggregate classification (germline): Uncertain significance (1 of 4 stars; one submission).

Conditions:
Charcot-Marie-Tooth disease X-linked dominant 6. Also called: CHARCOT-MARIE-TOOTH NEUROPATHY, X-LINKED DOMINANT, 6. Identifiers: Orphanet 352675, MedGen C3806702, MONDO:0010479, OMIM 300905.

Allele frequency attached by ClinVar (database versions not stated): gnomAD exomes 0.00001 and below 0.00001.
gnomAD v4.1: 3 of 1,165,144 alleles (0.00026%); highest among the groups gnomAD compares: Non-Finnish European, 0.00035%; no homozygotes.

Submission:

Labcorp Genetics (formerly Invitae), Labcorp
Classification: Uncertain significance for Charcot-Marie-Tooth disease X-linked dominant 6. Last evaluated: 2025-02-17. Review status: criteria provided, single submitter. Criteria: Invitae Variant Classification Sherloc (09022015). Collection method: clinical testing. Allele origin: germline.
Comment: This sequence change falls in intron 5 of the PDK3 gene. It does not directly change the encoded amino acid sequence of the PDK3 protein. It affects a nucleotide within the consensus splice site. This variant is present in population databases (no rsID available, gnomAD 0.001%). This variant has not been reported in the literature in individuals affected with PDK3-related conditions. ClinVar contains an entry for this variant (Variation ID: 1024498). Variants that disrupt the consensus splice site are a relatively common cause of aberrant splicing (PMID: 17576681, 9536098). Algorithms developed to predict the effect of sequence changes on RNA splicing suggest that this variant is not likely to affect RNA splicing. In summary, the available evidence is currently insufficient to determine the role of this variant in disease. Therefore, it has been classified as a Variant of Uncertain Significance.

Literature cited by the submitters: PubMed 17576681; PubMed 9536098.

NM_005391.5(PDK3):c.595+3A>G

Gene: PDK3 (pyruvate dehydrogenase kinase 3; plus strand). Cytogenetic location: Xp22.11.
Variant type: single nucleotide variant.
Coding change: c.595+3A>G on transcript NM_005391.5 (MANE Select); 3 bases into the intron after coding-DNA position 595, A replaced by G.
Molecular consequence: intron variant.
Genome position (GRCh38, 1-based): chrX:24,505,301, A>G. VCF-style: chrX-24505301-A-G. GRCh37 (hg19) VCF-style: chrX-24523418-A-G.
Other names: c.595+3A>G (NM_001142386.3).
Identifiers: ClinVar variation 1024498 (VCV001024498.6), dbSNP rs1227104182, ClinGen allele CA641000204.